The following is an entry in ClinVar:

NM_001844.5(COL2A1):c.3627_3644del (p.1205PGP[2])

Gene: COL2A1 (collagen type II alpha 1 chain; minus strand). Cytogenetic location: 12q13.11.
Variant type: Deletion.
Coding change: c.3627_3644del on transcript NM_001844.5 (MANE Select); coding-DNA positions 3627 to 3644, 18 bases deleted (TCCTCCAGGTCCCCCTGG).
Protein change: p.1205PGP[2].
Molecular consequence: inframe deletion.
Genome position (GRCh38, 1-based): chr12:47,975,559-47,975,576, CCAGGGGGACCTGGAGGA deleted on the plus strand (TCCTCCAGGTCCCCCTGG on the coding strand, the reverse complement: COL2A1 is on the minus strand); deleting any 18 consecutive bases within chr12:47,975,559-47,975,584 gives the same sequence; the c. name uses the placement nearest the transcript's 3' end. VCF-style (leftmost placement, unchanged base first): chr12-47975558-GCCAGGGGGACCTGGAGGA-G. GRCh37 (hg19) VCF-style: chr12-48369341-GCCAGGGGGACCTGGAGGA-G.
Other names: c.3420_3437del, p.1136PGP[2] (NM_033150.3).
Identifiers: ClinVar variation 1453157 (VCV001453157.7), dbSNP rs2136512373, ClinGen allele CA2573148597.

ClinVar aggregate classification (germline): Pathogenic. Review status: criteria provided, multiple submitters, no conflicts (2 of 4 stars). 2 submissions from 2 submitters: Pathogenic (2). Last evaluated 2025-11-10.

Submissions (2):

Labcorp Genetics (formerly Invitae), Labcorp
Classification: Pathogenic. Last evaluated: 2025-11-10. Review status: criteria provided, single submitter. Criteria: Invitae Variant Classification Sherloc (09022015). Collection method: clinical testing. Allele origin: germline.
Comment: This variant, c.3627_3644del, results in the deletion of 6 amino acid(s) of the COL2A1 protein (p.Pro1211_Pro1216del), but otherwise preserves the integrity of the reading frame. This variant is not present in population databases (gnomAD no frequency). This variant has been observed in individual(s) with Kniest dysplasia (PMID: 8863156). In at least one individual the variant was observed to be de novo. ClinVar contains an entry for this variant (Variation ID: 1453157). This variant disrupts the triple helix domain of COL2A1. Glycine residues within the Gly-Xaa-Yaa repeats of the triple helix domain are required for the structure and stability of fibrillar collagens (PMID: 7695699, 8218237, 19344236). In COL2A1, variants affecting these glycine residues are significantly enriched in individuals with disease (PMID: 9016532, 17078022) compared to the general population (ExAC). For these reasons, this variant has been classified as Pathogenic.

GeneDx
Classification: Pathogenic. Last evaluated: 2022-06-15. Review status: criteria provided, single submitter. Criteria: GeneDx Variant Classification Process June 2021. Collection method: clinical testing. Allele origin: germline. Affected: yes.
Comment: In silico analysis supports a deleterious effect on protein structure/function; Not observed at significant frequency in large population cohorts (gnomAD); In-frame deletion of 6 amino acids including a Gly-X-Y repeat unit within the triple-helical region, which is expected to disrupt normal protein folding and function, and this is an established mechanism of disease (HGMD); This variant is associated with the following publications: (PMID: 8863156)

Literature cited by the submitters: PubMed 8863156 (cited by Labcorp Genetics (formerly Invitae), Labcorp); PubMed 7695699 (cited by Labcorp Genetics (formerly Invitae), Labcorp); PubMed 8218237 (cited by Labcorp Genetics (formerly Invitae), Labcorp); PubMed 19344236 (cited by Labcorp Genetics (formerly Invitae), Labcorp); PubMed 9016532 (cited by Labcorp Genetics (formerly Invitae), Labcorp); PubMed 17078022 (cited by Labcorp Genetics (formerly Invitae), Labcorp).